The following is an entry in ClinVar:

NM_000051.4(ATM):c.7978del (p.Glu2660fs)

Genes: ATM (ATM serine/threonine kinase; plus strand), C11orf65 (chromosome 11 open reading frame 65; minus strand). Cytogenetic location: 11q22.3.
Variant type: Deletion.
Coding change: c.7978del on transcript NM_000051.4 (MANE Select); coding-DNA position 7978, one base deleted (G; older notation c.7978delG).
Protein change: p.Glu2660fs; shifts the reading frame from glutamic acid 2660.
Molecular consequence: frameshift variant. On other transcripts: intron variant (2).
Genome position (GRCh38, 1-based): chr11:108,333,936, G deleted. VCF-style (leftmost placement, unchanged base first): chr11-108333935-AG-A. GRCh37 (hg19) VCF-style: chr11-108204662-AG-A.
Other names: c.7978del, p.Glu2660fs (NM_001351834.2); c.641-24865del (NM_001330368.2); c.*38+1284del (NM_001351110.2); short protein forms E2660fs.
Identifiers: ClinVar variation 665749 (VCV000665749.8), dbSNP rs1591184471, ClinGen allele CA915948306.

ClinVar aggregate classification (germline): Pathogenic (1 of 4 stars; one submission).

Conditions:
Ataxia-telangiectasia syndrome (AT). Also called: Ataxia-telangiectasia, complementation group D; AT, COMPLEMENTATION GROUP C; ATAXIA-TELANGIECTASIA, COMPLEMENTATION GROUP A; ATAXIA-TELANGIECTASIA, FRESNO VARIANT; Ataxia-telangiectasia; LOUIS-BAR SYNDROME. Identifiers: Orphanet 100, MedGen C0004135, MONDO:0008840, OMIM 208900.

Submission:

Labcorp Genetics (formerly Invitae), Labcorp
Classification: Pathogenic for Ataxia-telangiectasia syndrome. Last evaluated: 2023-08-09. Review status: criteria provided, single submitter. Criteria: Invitae Variant Classification Sherloc (09022015). Collection method: clinical testing. Allele origin: germline.
Comment: For these reasons, this variant has been classified as Pathogenic. Algorithms developed to predict the effect of sequence changes on RNA splicing suggest that this variant may disrupt the consensus splice site. ClinVar contains an entry for this variant (Variation ID: 665749). This variant has not been reported in the literature in individuals affected with ATM-related conditions. This variant is not present in population databases (gnomAD no frequency). This sequence change creates a premature translational stop signal (p.Glu2660Lysfs*22) in the ATM gene. It is expected to result in an absent or disrupted protein product. Loss-of-function variants in ATM are known to be pathogenic (PMID: 23807571, 25614872).

Literature cited by the submitters: PubMed 23807571; PubMed 25614872.